The following is an entry in ClinVar:

NM_015272.5(RPGRIP1L):c.1996A>G (p.Asn666Asp)

Gene: RPGRIP1L (RPGRIP1 like; minus strand). Cytogenetic location: 16q12.2.
Variant type: single nucleotide variant.
Coding change: c.1996A>G on transcript NM_015272.5 (MANE Select); coding-DNA position 1996, A replaced by G.
Protein change: p.Asn666Asp; replaces asparagine 666 with aspartic acid.
Molecular consequence: missense variant.
Genome position (GRCh38, 1-based): chr16:53,652,691, T>C on the plus strand (A>G on the coding strand, the complement: RPGRIP1L is on the minus strand). VCF-style: chr16-53652691-T-C. GRCh37 (hg19) VCF-style: chr16-53686603-T-C.
Other names: c.1996A>G, p.Asn666Asp (NM_001127897.4, NM_001308334.3, NM_001330538.2); short protein forms N666D.
Identifiers: ClinVar variation 2179208 (VCV002179208.4), dbSNP rs2544205861, ClinGen allele CA395916880.

ClinVar aggregate classification (germline): Uncertain significance (1 of 4 stars; one submission).

Conditions:
Joubert syndrome. Also called: CEREBELLOPARENCHYMAL DISORDER IV; JOUBERT-BOLTSHAUSER SYNDROME; Familial aplasia of the vermis. Identifiers: Orphanet 475, MedGen C5979921, MONDO:0018772.
Meckel-Gruber syndrome. Also called: DYSENCEPHALIA SPLANCHNOCYSTICA; GRUBER SYNDROME; Dysencephalia splachnocystica. Identifiers: Orphanet 564, MedGen C0265215, MONDO:0018921.

Submission:

Labcorp Genetics (formerly Invitae), Labcorp
Classification: Uncertain significance for Joubert syndrome; Meckel-Gruber syndrome. Last evaluated: 2022-07-21. Review status: criteria provided, single submitter. Criteria: Invitae Variant Classification Sherloc (09022015). Collection method: clinical testing. Allele origin: germline.
Comment: This sequence change replaces asparagine, which is neutral and polar, with aspartic acid, which is acidic and polar, at codon 666 of the RPGRIP1L protein (p.Asn666Asp). This variant is not present in population databases (gnomAD no frequency). This variant has not been reported in the literature in individuals affected with RPGRIP1L-related conditions. Algorithms developed to predict the effect of missense changes on protein structure and function output the following: SIFT: "Tolerated"; PolyPhen-2: "Benign"; Align-GVGD: "Class C0". The aspartic acid amino acid residue is found in multiple mammalian species, which suggests that this missense change does not adversely affect protein function. In summary, the available evidence is currently insufficient to determine the role of this variant in disease. Therefore, it has been classified as a Variant of Uncertain Significance.